The following is an entry in ClinVar:

NM_000310.4(PPT1):c.25C>T (p.Leu9Phe)

Gene: PPT1 (palmitoyl-protein thioesterase 1; minus strand). Cytogenetic location: 1p34.2.
Variant type: single nucleotide variant.
Coding change: c.25C>T on transcript NM_000310.4 (MANE Select); coding-DNA position 25, C replaced by T.
Protein change: p.Leu9Phe; replaces leucine 9 with phenylalanine.
Molecular consequence: missense variant.
Genome position (GRCh38, 1-based): chr1:40,097,214, G>A on the plus strand (C>T on the coding strand, the complement: PPT1 is on the minus strand). VCF-style: chr1-40097214-G-A. GRCh37 (hg19) VCF-style: chr1-40562886-G-A.
Other names: c.25C>T, p.Leu9Phe (NM_001142604.2, NM_001363695.2); short protein forms L9F.
Identifiers: ClinVar variation 1905111 (VCV001905111.5), dbSNP rs2523709874, ClinGen allele CA339850838.

ClinVar aggregate classification (germline): Uncertain significance (1 of 4 stars; one submission).

Conditions:
Neuronal ceroid lipofuscinosis 1 (CLN1). Also called: PPT1-Related Neuronal Ceroid-Lipofuscinosis; CEROID LIPOFUSCINOSIS, NEURONAL, 1, VARIABLE AGE AT ONSET. Identifiers: Orphanet 228329, MedGen C1850451, MONDO:0009744, OMIM 256730.

Allele frequency attached by ClinVar (database versions not stated): gnomAD exomes below 0.00001.
gnomAD v4.1: 1 of 1,614,008 alleles (0.000062%); highest among the groups gnomAD compares: Non-Finnish European, 0.000085%; no homozygotes.

Submission:

Labcorp Genetics (formerly Invitae), Labcorp
Classification: Uncertain significance for Neuronal ceroid lipofuscinosis 1. Last evaluated: 2022-08-16. Review status: criteria provided, single submitter. Criteria: Invitae Variant Classification Sherloc (09022015). Collection method: clinical testing. Allele origin: germline.
Comment: This variant has not been reported in the literature in individuals affected with PPT1-related conditions. This variant is not present in population databases (gnomAD no frequency). This sequence change replaces leucine, which is neutral and non-polar, with phenylalanine, which is neutral and non-polar, at codon 9 of the PPT1 protein (p.Leu9Phe). Advanced modeling of protein sequence and biophysical properties (such as structural, functional, and spatial information, amino acid conservation, physicochemical variation, residue mobility, and thermodynamic stability) performed at Invitae indicates that this missense variant is not expected to disrupt PPT1 protein function. In summary, the available evidence is currently insufficient to determine the role of this variant in disease. Therefore, it has been classified as a Variant of Uncertain Significance.